The following is an entry in ClinVar:

ClinVar aggregate classification (germline): Uncertain significance (1 of 4 stars; one submission).

Conditions:
Tuberous sclerosis 1 (TSC1). Identifiers: Orphanet 805, MedGen C1854465, MONDO:0008612, OMIM 191100.

Submission:

Labcorp Genetics (formerly Invitae), Labcorp
Classification: Uncertain significance for Tuberous sclerosis 1. Last evaluated: 2021-05-19. Review status: criteria provided, single submitter. Criteria: Invitae Variant Classification Sherloc (09022015). Collection method: clinical testing. Allele origin: germline.
Comment: In summary, the available evidence is currently insufficient to determine the role of this variant in disease. Therefore, it has been classified as a Variant of Uncertain Significance. Algorithms developed to predict the effect of missense changes on protein structure and function are either unavailable or do not agree on the potential impact of this missense change (SIFT: "Deleterious"; PolyPhen-2: "Benign"; Align-GVGD: "Class C0"). This variant has not been reported in the literature in individuals with TSC1-related conditions. This variant is not present in population databases (ExAC no frequency). This sequence change replaces threonine with isoleucine at codon 874 of the TSC1 protein (p.Thr874Ile). The threonine residue is moderately conserved and there is a moderate physicochemical difference between threonine and isoleucine.

NM_000368.5(TSC1):c.2621C>T (p.Thr874Ile)

Gene: TSC1 (TSC complex subunit 1; minus strand). Cytogenetic location: 9q34.13.
Variant type: single nucleotide variant.
Coding change: c.2621C>T on transcript NM_000368.5 (MANE Select); coding-DNA position 2621, C replaced by T.
Protein change: p.Thr874Ile; replaces threonine 874 with isoleucine.
Molecular consequence: missense variant.
Genome position (GRCh38, 1-based): chr9:132,900,719, G>A on the plus strand (C>T on the coding strand, the complement: TSC1 is on the minus strand). VCF-style: chr9-132900719-G-A. GRCh37 (hg19) VCF-style: chr9-135776106-G-A.
Other names: c.2618C>T, p.Thr873Ile (NM_001162426.2); c.2468C>T, p.Thr823Ile (NM_001162427.2); c.2258C>T, p.Thr753Ile (NM_001362177.2); short protein forms T823I, T874I, T753I, T873I.
Identifiers: ClinVar variation 1355303 (VCV001355303.8), dbSNP rs2131684508, ClinGen allele CA375369832.
Genomic context (GRCh38, chr9:132,900,719, plus strand): 5'-TGTCTGGGTCTGAAACGCTTTCCCCACTAAGGTCTGGCTCCCGAGCCCTGGCATACCTTT[G>A]TGGTATCTGAGTGCTTGTTCTGCAGTTGTTCCAAATAGAGCTCGTTGACCTCCCCAAGAA-3'
Protein context (NP_000359.1, residues 864-884): EQLQNKHSDT[Thr874Ile]KEVEMMKAAY